The following is an entry in ClinVar:

NM_014633.5(CTR9):c.741+6T>G

Gene: CTR9 (CTR9 component of Paf1/RNA polymerase II complex; plus strand). Cytogenetic location: 11p15.4.
Variant type: single nucleotide variant.
Coding change: c.741+6T>G on transcript NM_014633.5 (MANE Select); 6 bases into the intron after coding-DNA position 741, T replaced by G.
Molecular consequence: intron variant.
Genome position (GRCh38, 1-based): chr11:10,760,327, T>G. VCF-style: chr11-10760327-T-G. GRCh37 (hg19) VCF-style: chr11-10781874-T-G.
Other names: c.741+6T>G (NM_001346279.2, NM_014633.4).
Identifiers: ClinVar variation 2641601 (VCV002641601.25), dbSNP rs2135363149, ClinGen allele CA935090873.
Genomic context (GRCh38, chr11:10,760,327, plus strand): 5'-CAAATGCGTGGGAGCATTGGTTGGACTGGCTGTTCTAGAACTCAACAATAAAGAGGTATG[T>G]AAATGAAAAAAGTATCTAGCTCCTAACTGCTTTGTCAGGCCCACAGCCTCTTATCTAAAA-3'

ClinVar aggregate classification (germline): Likely benign. Review status: criteria provided, single submitter (1 of 4 stars). 2 submissions from 2 submitters: Likely benign (1). 1 of the submissions does not count toward it. Last evaluated 2023-04-01.

Conditions:
CTR9-related disorder. Also called: CTR9-related condition.

Submissions (2):

CeGaT Center for Human Genetics Tuebingen
Classification: Likely benign. Last evaluated: 2023-04-01. Review status: criteria provided, single submitter. Criteria: CeGaT Center For Human Genetics Tuebingen Variant Classification Criteria Version 2. Collection method: clinical testing. Allele origin: germline. Affected: yes. Observed: 1 variant allele.
Comment: CTR9: BP4

PreventionGenetics, part of Exact Sciences
Classification: Likely benign for CTR9-related condition. Last evaluated: 2022-09-06. Review status: no assertion criteria provided. Collection method: clinical testing. Allele origin: germline. Not counted in ClinVar's aggregate classification.
Comment: This variant is classified as likely benign based on ACMG/AMP sequence variant interpretation guidelines (Richards et al. 2015 PMID: 25741868, with internal and published modifications).